The following is an entry in ClinVar:

NM_000062.3(SERPING1):c.550+2T>A

Gene: SERPING1 (serpin family G member 1; plus strand). Cytogenetic location: 11q12.1.
Variant type: single nucleotide variant.
Coding change: c.550+2T>A on transcript NM_000062.3 (MANE Select); the canonical splice donor site of the intron after coding-DNA position 550, T replaced by A.
Molecular consequence: splice donor variant.
Genome position (GRCh38, 1-based): chr11:57,600,379, T>A. VCF-style: chr11-57600379-T-A. GRCh37 (hg19) VCF-style: chr11-57367852-T-A.
Other names: c.550+2T>A (NM_001032295.2).
Identifiers: ClinVar variation 3248616 (VCV003248616.2), dbSNP rs112666115.

ClinVar aggregate classification (germline): Pathogenic (1 of 4 stars; one submission).

Conditions:
Hereditary angioedema type 1 (HAE1). Identifiers: Orphanet 100050, Orphanet 100051, Orphanet 91378, MedGen C2717906, MONDO:0015053, OMIM 106100.

Submission:

DNA-diagnostics Laboratory, Research Centre For Medical Genetics
Classification: Pathogenic for Hereditary angioedema type 1. Last evaluated: 2024-06-01. Review status: criteria provided, single submitter. Criteria: ACMG Guidelines, 2015. Collection method: research. Allele origin: germline. Inheritance: Sporadic. Affected: yes. Observed: 2 variant alleles, 2 heterozygotes.
Comment: According to our observation and the published information of Ponard et all, 2020, the c.550+2T>A variant in SERPING1 meets ACMG/ClinGen SVI guidance criteria to be classified as pathogenic: PVS1, PM2_Sup, PS1_Sup, PP4